The following is an entry in ClinVar:

ClinVar aggregate classification (germline): Uncertain significance (1 of 4 stars; one submission).

Submission:

Labcorp Genetics (formerly Invitae), Labcorp
Classification: Uncertain significance. Last evaluated: 2022-01-22. Review status: criteria provided, single submitter. Criteria: Invitae Variant Classification Sherloc (09022015). Collection method: clinical testing. Allele origin: germline.
Comment: This sequence change replaces phenylalanine, which is neutral and non-polar, with serine, which is neutral and polar, at codon 57 of the MMP2 protein (p.Phe57Ser). This variant is not present in population databases (gnomAD no frequency). This variant has not been reported in the literature in individuals affected with MMP2-related conditions. Algorithms developed to predict the effect of missense changes on protein structure and function are either unavailable or do not agree on the potential impact of this missense change (SIFT: "Tolerated"; PolyPhen-2: "Probably Damaging"; Align-GVGD: "Class C0"). In summary, the available evidence is currently insufficient to determine the role of this variant in disease. Therefore, it has been classified as a Variant of Uncertain Significance.

NM_004530.6(MMP2):c.170T>C (p.Phe57Ser)

Gene: MMP2 (matrix metallopeptidase 2; plus strand). Cytogenetic location: 16q12.2.
Variant type: single nucleotide variant.
Coding change: c.170T>C on transcript NM_004530.6 (MANE Select); coding-DNA position 170, T replaced by C.
Protein change: p.Phe57Ser; replaces phenylalanine 57 with serine.
Molecular consequence: missense variant. On other transcripts: 5 prime UTR variant (3).
Genome position (GRCh38, 1-based): chr16:55,482,925, T>C. VCF-style: chr16-55482925-T-C. GRCh37 (hg19) VCF-style: chr16-55516837-T-C.
Other names: c.20T>C, p.Phe7Ser (NM_001127891.3); c.-59T>C (NM_001302508.1, NM_001302509.2, NM_001302510.2); short protein forms F7S, F57S.
Identifiers: ClinVar variation 2089123 (VCV002089123.4), dbSNP rs2543503310, ClinGen allele CA395931349.